The following is an entry in ClinVar:

NM_014159.7(SETD2):c.787T>G (p.Leu263Val)

Gene: SETD2 (SET domain containing 2, histone lysine methyltransferase; minus strand). Cytogenetic location: 3p21.31.
Variant type: single nucleotide variant.
Coding change: c.787T>G on transcript NM_014159.7 (MANE Select); coding-DNA position 787, T replaced by G.
Protein change: p.Leu263Val; replaces leucine 263 with valine.
Molecular consequence: missense variant. On other transcripts: non-coding transcript variant (1).
Genome position (GRCh38, 1-based): chr3:47,123,849, A>C on the plus strand (T>G on the coding strand, the complement: SETD2 is on the minus strand). VCF-style: chr3-47123849-A-C. GRCh37 (hg19) VCF-style: chr3-47165339-A-C.
Other names: c.655T>G, p.Leu219Val (NM_001349370.3); short protein forms L219V, L263V.
Identifiers: ClinVar variation 4882081 (VCV004882081.2).
Genomic context (GRCh38, chr3:47,123,849, plus strand): 5'-CTTCTTTTTTTGAGGAAATATCTGCTTGCTCATTCAATATTTGAGTTACGTGTTCTTCTA[A>C]ACTATTAGATATAGTGTCCTGCTTAGTATCTGCTTCTAAAGATTCTGGTACAATTATAAT-3'
Protein context (NP_054878.5, residues 253-273): DTKQDTISNS[Leu263Val]EEHVTQILNE

ClinVar aggregate classification (germline): Uncertain significance (1 of 4 stars; one submission).

Submission:

Dasa
Classification: Uncertain significance. Last evaluated: 2026-02-20. Review status: criteria provided, single submitter. Criteria: DASA Assertion Criteria. Collection method: clinical testing. Allele origin: germline.
Comment: NM_014159.7(SETD2):c.787T>G (p.Leu263Val) is a missense variant that results in the substitution of leucine with valine. This variant is rare in population databases. Computational prediction algorithms are consistent with a benign effect. The currently available literature and clinical evidence are not sufficient to establish a definitive association between this variant and the reported condition. Therefore, this variant is classified as a variant of uncertain significance.